The following is an entry in ClinVar:

ClinVar aggregate classification (germline): Conflicting classifications of pathogenicity. Review status: criteria provided, conflicting classifications (1 of 4 stars). 6 submissions from 6 submitters: Uncertain significance (1); Likely benign (5). Last evaluated 2026-01-28.

Conditions:
Autosomal recessive limb-girdle muscular dystrophy type 2J (LGMDR10). Also called: Limb-girdle muscular dystrophy, type 2J; MUSCULAR DYSTROPHY, LIMB-GIRDLE, AUTOSOMAL RECESSIVE 10. Identifiers: Orphanet 140922, MedGen C1837342, MONDO:0012127, OMIM 608807.
Dilated cardiomyopathy 1G (CMD1G). Identifiers: Orphanet 154, MedGen C1858763, MONDO:0011400, OMIM 604145.

Allele frequency attached by ClinVar (database versions not stated): ExAC 0.00008; ESP Exome Variant Server 0.00008; TOPMed 0.00008; gnomAD exomes 0.00009; gnomAD 0.00017 and 0.00018.
gnomAD v4.1: 167 of 1,613,160 alleles (0.01%); highest among the groups gnomAD compares: Admixed American, 0.042%; no homozygotes.

Submissions (6):

Labcorp Genetics (formerly Invitae), Labcorp
Classification: Likely benign for Dilated cardiomyopathy 1G; Autosomal recessive limb-girdle muscular dystrophy type 2J. Last evaluated: 2026-01-28. Review status: criteria provided, single submitter. Criteria: Invitae Variant Classification Sherloc (09022015). Collection method: clinical testing. Allele origin: germline.

Blueprint Genetics
Classification: Likely benign. Last evaluated: 2024-01-23. Review status: criteria provided, single submitter. Criteria: ACMG Guidelines, 2015. Collection method: clinical testing. Allele origin: germline.

GeneDx
Classification: Likely benign. Last evaluated: 2021-07-26. Review status: criteria provided, single submitter. Criteria: GeneDx Variant Classification Process June 2021. Collection method: clinical testing. Allele origin: germline. Affected: yes.

Women's Health and Genetics/Laboratory Corporation of America, LabCorp
Classification: Likely benign. Last evaluated: 2020-01-06. Review status: criteria provided, single submitter. Criteria: LabCorp Variant Classification Summary - May 2015. Collection method: clinical testing. Allele origin: germline.

Eurofins Ntd Llc (ga)
Classification: Uncertain significance. Last evaluated: 2016-06-09. Review status: criteria provided, single submitter. Criteria: EGL Classification Definitions 2015. Collection method: clinical testing. Allele origin: germline. Observed: 1 variant allele, 1 heterozygote.

Laboratory for Molecular Medicine, Mass General Brigham Personalized Medicine
Classification: Likely benign. Last evaluated: 2015-06-23. Review status: criteria provided, single submitter. Criteria: LMM Criteria. Collection method: clinical testing. Allele origin: germline. Observed: 1 variant allele.
Comment: p.Ala9658Ala in exon 129 of TTN: This variant is not expected to have clinical s ignificance because it does not alter an amino acid residue and is not located w ithin the splice consensus sequence. It has been identified in 6/16274 South Asi an chromosomes by the Exome Aggregation Consortium (ExAC; dbSNP rs372124201).

NM_001267550.2(TTN):c.32706G>A (p.Ala10902=)

Gene: TTN (titin; minus strand). Cytogenetic location: 2q31.2.
Variant type: single nucleotide variant.
Coding change: c.32706G>A on transcript NM_001267550.2 (MANE Select); coding-DNA position 32706, G replaced by A.
Protein change: p.Ala10902=; no amino-acid change (alanine 10902 retained).
Molecular consequence: synonymous variant. On other transcripts: intron variant (3).
Genome position (GRCh38, 1-based): chr2:178,684,346, C>T on the plus strand (G>A on the coding strand, the complement: TTN is on the minus strand). VCF-style: chr2-178684346-C-T. GRCh37 (hg19) VCF-style: chr2-179549073-C-T.
Other names: c.31755G>A, p.Ala10585= (NM_001256850.1); c.13283-42029G>A (NM_003319.4); c.13859-42029G>A (NM_133437.4); c.13658-42029G>A (NM_133432.3); c.28974G>A, p.Ala9658= (NM_133378.4).
Identifiers: ClinVar variation 228082 (VCV000228082.24), dbSNP rs372124201, ClinGen allele CA1998558.